The following is an entry in ClinVar:

NM_001164508.2(NEB):c.7228-7T>C

Gene: NEB (nebulin; minus strand). Cytogenetic location: 2q23.3.
Variant type: single nucleotide variant.
Coding change: c.7228-7T>C on transcript NM_001164508.2 (MANE Select); 7 bases into the intron before coding-DNA position 7228, T replaced by C.
Molecular consequence: intron variant.
Genome position (GRCh38, 1-based): chr2:151,650,386, A>G on the plus strand (T>C on the coding strand, the complement: NEB is on the minus strand). VCF-style: chr2-151650386-A-G. GRCh37 (hg19) VCF-style: chr2-152506900-A-G.
Other names: p.?; c.7228-7T>C (NM_004543.5, NM_001164507.2, NM_001271208.2).
Identifiers: ClinVar variation 1093775 (VCV001093775.10), dbSNP rs2154134476, ClinGen allele CA2499215094.

ClinVar aggregate classification (germline): Likely benign. Review status: criteria provided, multiple submitters, no conflicts (2 of 4 stars). 2 submissions from 2 submitters: Likely benign (2). Last evaluated 2025-10-05.

Conditions:
Nemaline myopathy 2 (NEM2). Also called: Nemaline myopathy 2, autosomal recessive. Identifiers: MedGen C1850569, MONDO:0009725, OMIM 256030.

gnomAD v4.1: 3 of 1,612,632 alleles (0.00019%); highest among the groups gnomAD compares: African/African-American, 0.0027%; no homozygotes.

Submissions (2):

Mayo Clinic Laboratories, Mayo Clinic
Classification: Likely benign. Last evaluated: 2025-10-05. Review status: criteria provided, single submitter. Criteria: ACMG Guidelines, 2015. Collection method: clinical testing. Allele origin: germline. Observed: 1 variant allele.
Comment: BP4, BP7, PM2_supporting

Labcorp Genetics (formerly Invitae), Labcorp
Classification: Likely benign for Nemaline myopathy 2. Last evaluated: 2023-06-11. Review status: criteria provided, single submitter. Criteria: Invitae Variant Classification Sherloc (09022015). Collection method: clinical testing. Allele origin: germline.